The following is an entry in ClinVar:

ClinVar aggregate classification (germline): Uncertain significance. Review status: criteria provided, multiple submitters, no conflicts (2 of 4 stars). 2 submissions from 2 submitters: Uncertain significance (2). Last evaluated 2024-10-22.

gnomAD v4.1: 10 of 1,614,078 alleles (0.00062%); highest among the groups gnomAD compares: Non-Finnish European, 0.00051%; no homozygotes.

Submissions (2):

GeneDx
Classification: Uncertain significance. Last evaluated: 2024-10-22. Review status: criteria provided, single submitter. Criteria: GeneDx Variant Classification Process June 2021. Collection method: clinical testing. Allele origin: germline. Affected: yes.
Comment: Not observed at significant frequency in large population cohorts (gnomAD); In silico analysis supports that this missense variant has a deleterious effect on protein structure/function; Has not been previously published as pathogenic or benign to our knowledge

Blueprint Genetics
Classification: Uncertain significance. Last evaluated: 2021-03-09. Review status: criteria provided, single submitter. Criteria: ACMG Guidelines, 2015. Collection method: clinical testing. Allele origin: germline.

NM_004859.4(CLTC):c.2628C>A (p.His876Gln)

Gene: CLTC (clathrin heavy chain; plus strand). Cytogenetic location: 17q23.1.
Variant type: single nucleotide variant.
Coding change: c.2628C>A on transcript NM_004859.4 (MANE Select); coding-DNA position 2628, C replaced by A.
Protein change: p.His876Gln; replaces histidine 876 with glutamine.
Molecular consequence: missense variant.
Genome position (GRCh38, 1-based): chr17:59,677,020, C>A. VCF-style: chr17-59677020-C-A. GRCh37 (hg19) VCF-style: chr17-57754381-C-A.
Other names: c.2640C>A, p.His880Gln (NM_001288653.2); short protein forms H876Q, H880Q.
Identifiers: ClinVar variation 3893508 (VCV003893508.2).